The following is an entry in ClinVar:

NM_000540.3(RYR1):c.12169A>T (p.Ile4057Phe)

Gene: RYR1 (ryanodine receptor 1; plus strand). Cytogenetic location: 19q13.2.
Variant type: single nucleotide variant.
Coding change: c.12169A>T on transcript NM_000540.3 (MANE Select); coding-DNA position 12169, A replaced by T.
Protein change: p.Ile4057Phe; replaces isoleucine 4057 with phenylalanine.
Molecular consequence: missense variant.
Genome position (GRCh38, 1-based): chr19:38,548,307, A>T. VCF-style: chr19-38548307-A-T. GRCh37 (hg19) VCF-style: chr19-39038947-A-T.
Other names: c.12154A>T, p.Ile4052Phe (NM_001042723.2); short protein forms I4052F, I4057F.
Identifiers: ClinVar variation 4690731 (VCV004690731.1).

ClinVar aggregate classification (germline): Uncertain significance (1 of 4 stars; one submission).

Conditions:
RYR1-related disorder. Also called: RYR1-related condition; RYR1-related disorders. Identifiers: MedGen CN239331.

gnomAD v4.1: 1 of 1,614,080 alleles (0.000062%); highest among the groups gnomAD compares: African/African-American, 0.0013%; no homozygotes.

Submission:

Labcorp Genetics (formerly Invitae), Labcorp
Classification: Uncertain significance for RYR1-related disorder. Last evaluated: 2025-11-23. Review status: criteria provided, single submitter. Criteria: Invitae Variant Classification Sherloc (09022015). Collection method: clinical testing. Allele origin: germline.
Comment: This sequence change replaces isoleucine, which is neutral and non-polar, with phenylalanine, which is neutral and non-polar, at codon 4057 of the RYR1 protein (p.Ile4057Phe). This variant is present in population databases (rs768182972, gnomAD 0.007%). This variant has not been reported in the literature in individuals affected with RYR1-related conditions. Invitae Evidence Modeling of protein sequence and biophysical properties (such as structural, functional, and spatial information, amino acid conservation, physicochemical variation, residue mobility, and thermodynamic stability) indicates that this missense variant is expected to disrupt RYR1 protein function with a positive predictive value of 80%. In summary, the available evidence is currently insufficient to determine the role of this variant in disease. Therefore, it has been classified as a Variant of Uncertain Significance.